The following is an entry in ClinVar:

NM_182760.4(SUMF1):c.193G>A (p.Ala65Thr)

Genes: SUMF1 (sulfatase modifying factor 1; minus strand), LOC129936056 (ATAC-STARR-seq lymphoblastoid silent region 14016; plus strand). Cytogenetic location: 3p26.1.
Variant type: single nucleotide variant.
Coding change: c.193G>A on transcript NM_182760.4 (MANE Select); coding-DNA position 193, G replaced by A.
Protein change: p.Ala65Thr; replaces alanine 65 with threonine.
Molecular consequence: missense variant.
Genome position (GRCh38, 1-based): chr3:4,467,053, C>T on the plus strand (G>A on the coding strand, the complement: SUMF1 is on the minus strand). VCF-style: chr3-4467053-C-T. GRCh37 (hg19) VCF-style: chr3-4508737-C-T.
Other names: c.193G>A, p.Ala65Thr (NM_001164674.2, NM_001164675.2); short protein forms A65T.
Identifiers: ClinVar variation 2058277 (VCV002058277.1), dbSNP rs1157840445, ClinGen allele CA351794224.

ClinVar aggregate classification (germline): Uncertain significance (1 of 4 stars; one submission).

Conditions:
Multiple sulfatase deficiency (MSD). Also called: Mucosulfatidosis; Multiple Sulfatase Deficiency Disease; Sulfatidosis, Juvenile, Austin Type. Identifiers: Orphanet 585, MedGen C0268263, MONDO:0010088, OMIM 272200.

Allele frequency attached by ClinVar (database versions not stated): gnomAD 0.00001; TOPMed 0.00001.
gnomAD v4.1: 3 of 1,569,518 alleles (0.00019%); highest among the groups gnomAD compares: Non-Finnish European, 0.00017%; no homozygotes.

Submission:

Labcorp Genetics (formerly Invitae), Labcorp
Classification: Uncertain significance for Multiple sulfatase deficiency. Last evaluated: 2022-08-22. Review status: criteria provided, single submitter. Criteria: Invitae Variant Classification Sherloc (09022015). Collection method: clinical testing. Allele origin: germline.
Comment: This sequence change replaces alanine, which is neutral and non-polar, with threonine, which is neutral and polar, at codon 65 of the SUMF1 protein (p.Ala65Thr). This variant is not present in population databases (gnomAD no frequency). This variant has not been reported in the literature in individuals affected with SUMF1-related conditions. Algorithms developed to predict the effect of missense changes on protein structure and function (SIFT, PolyPhen-2, Align-GVGD) all suggest that this variant is likely to be tolerated. In summary, the available evidence is currently insufficient to determine the role of this variant in disease. Therefore, it has been classified as a Variant of Uncertain Significance.